The following is an entry in ClinVar:

NM_199242.3(UNC13D):c.881C>T (p.Ser294Leu)

Gene: UNC13D (unc-13 homolog D; minus strand). Cytogenetic location: 17q25.1.
Variant type: single nucleotide variant.
Coding change: c.881C>T on transcript NM_199242.3 (MANE Select); coding-DNA position 881, C replaced by T.
Protein change: p.Ser294Leu; replaces serine 294 with leucine.
Molecular consequence: missense variant.
Genome position (GRCh38, 1-based): chr17:75,840,088, G>A on the plus strand (C>T on the coding strand, the complement: UNC13D is on the minus strand). VCF-style: chr17-75840088-G-A. GRCh37 (hg19) VCF-style: chr17-73836169-G-A.
Other names: short protein forms S294L.
Identifiers: ClinVar variation 1385169 (VCV001385169.7), dbSNP rs370741117, ClinGen allele CA8773221.

ClinVar aggregate classification (germline): Uncertain significance. Review status: criteria provided, multiple submitters, no conflicts (2 of 4 stars). 3 submissions from 3 submitters: Uncertain significance (3). Last evaluated 2024-01-18.

Conditions:
Familial hemophagocytic lymphohistiocytosis 3 (FHL3). Also called: UNC13D-Related Familial Hemophagocytic Lymphohistiocytosis (UNC13D-fHLH). Identifiers: Orphanet 540, MedGen C1837174, MONDO:0012146, OMIM 608898.
Autoinflammatory syndrome. Identifiers: Orphanet 93665, MedGen C3890737, MONDO:0019751.

Allele frequency attached by ClinVar (database versions not stated): TOPMed 0.00004; ExAC 0.00005; gnomAD 0.00006; gnomAD exomes 0.00006; ESP Exome Variant Server 0.00008; 1000 Genomes Project 0.00020; 1000 Genomes Project 30x 0.00031.
gnomAD v4.1: 85 of 1,613,060 alleles (0.0053%); highest among the groups gnomAD compares: Middle Eastern, 0.017%; no homozygotes.

Submissions (3):

GeneDx
Classification: Uncertain significance. Last evaluated: 2024-01-18. Review status: criteria provided, single submitter. Criteria: GeneDx Variant Classification Process June 2021. Collection method: clinical testing. Allele origin: germline. Affected: yes.
Comment: In silico analysis supports that this missense variant has a deleterious effect on protein structure/function; Has not been previously published as pathogenic or benign to our knowledge

Labcorp Genetics (formerly Invitae), Labcorp
Classification: Uncertain significance for Familial hemophagocytic lymphohistiocytosis 3. Last evaluated: 2022-07-19. Review status: criteria provided, single submitter. Criteria: Invitae Variant Classification Sherloc (09022015). Collection method: clinical testing. Allele origin: germline.
Comment: This sequence change replaces serine, which is neutral and polar, with leucine, which is neutral and non-polar, at codon 294 of the UNC13D protein (p.Ser294Leu). This variant is present in population databases (rs370741117, gnomAD 0.02%). This variant has not been reported in the literature in individuals affected with UNC13D-related conditions. ClinVar contains an entry for this variant (Variation ID: 1385169). Algorithms developed to predict the effect of missense changes on protein structure and function are either unavailable or do not agree on the potential impact of this missense change (SIFT: "Not Available"; PolyPhen-2: "Benign"; Align-GVGD: "Not Available"). In summary, the available evidence is currently insufficient to determine the role of this variant in disease. Therefore, it has been classified as a Variant of Uncertain Significance.

Genome Diagnostics Laboratory, The Hospital for Sick Children
Classification: Uncertain significance for Autoinflammatory syndrome. Last evaluated: 2019-02-01. Review status: criteria provided, single submitter. Criteria: ACMG Guidelines, 2015. Collection method: clinical testing. Allele origin: germline. Affected: yes.